The following is an entry in ClinVar:

NM_182931.3(KMT2E):c.2011G>A (p.Val671Ile)

Gene: KMT2E (lysine methyltransferase 2E (inactive); plus strand). Cytogenetic location: 7q22.3.
Variant type: single nucleotide variant.
Coding change: c.2011G>A on transcript NM_182931.3 (MANE Select); coding-DNA position 2011, G replaced by A.
Protein change: p.Val671Ile; replaces valine 671 with isoleucine.
Molecular consequence: missense variant.
Genome position (GRCh38, 1-based): chr7:105,102,009, G>A. VCF-style: chr7-105102009-G-A. GRCh37 (hg19) VCF-style: chr7-104742456-G-A.
Other names: c.2011G>A, p.Val671Ile (NM_001410908.1, NM_018682.4); short protein forms V671I.
Identifiers: ClinVar variation 2631636 (VCV002631636.1), dbSNP rs2536493119, ClinGen allele CA368784808.

ClinVar aggregate classification (germline): Uncertain significance (1 of 4 stars; one submission).

Conditions:
KMT2E-related disorder. Also called: KMT2E-related condition.

Allele frequency attached by ClinVar (database versions not stated): gnomAD exomes below 0.00001.
gnomAD v4.1: 5 of 1,613,878 alleles (0.00031%); highest among the groups gnomAD compares: South Asian, 0.0033%; no homozygotes.

Submission:

PreventionGenetics, part of Exact Sciences
Classification: Uncertain significance for KMT2E-related condition. Last evaluated: 2023-07-12. Review status: criteria provided, single submitter. Criteria: ACMG Guidelines, 2015. Collection method: clinical testing. Allele origin: germline.
Comment: The KMT2E c.2011G>A variant is predicted to result in the amino acid substitution p.Val671Ile. To our knowledge, this variant has not been reported in the literature or in a large population database, indicating this variant is rare. At this time, the clinical significance of this variant is uncertain due to the absence of conclusive functional and genetic evidence.